The following is an entry in ClinVar:

NM_001374736.1(DST):c.22955C>T (p.Pro7652Leu)

Gene: DST (dystonin; minus strand). Cytogenetic location: 6p12.1.
Variant type: single nucleotide variant.
Coding change: c.22955C>T on transcript NM_001374736.1 (MANE Select); coding-DNA position 22955, C replaced by T.
Protein change: p.Pro7652Leu; replaces proline 7652 with leucine.
Molecular consequence: missense variant.
Genome position (GRCh38, 1-based): chr6:56,463,569, G>A on the plus strand (C>T on the coding strand, the complement: DST is on the minus strand). VCF-style: chr6-56463569-G-A. GRCh37 (hg19) VCF-style: chr6-56328367-G-A.
Other names: c.16526C>T, p.Pro5509Leu (NM_001144769.5); c.16112C>T, p.Pro5371Leu (NM_001144770.2); c.22883C>T, p.Pro7628Leu (NM_001374722.1); c.21995C>T, p.Pro7332Leu (NM_001374729.1); c.15737C>T, p.Pro5246Leu (NM_001374730.1); c.22910C>T, p.Pro7637Leu (NM_001374734.1); c.15974C>T, p.Pro5325Leu (NM_001386100.1); c.15014C>T, p.Pro5005Leu (NM_015548.5); and 1 more; short protein forms P5005L, P5246L, P5325L, P5331L, P5371L, P5509L, P7332L, P7628L.
Identifiers: ClinVar variation 1061902 (VCV001061902.4), dbSNP rs760819112, ClinGen allele CA3866107.

ClinVar aggregate classification (germline): Uncertain significance (1 of 4 stars; one submission).

Conditions:
Hereditary sensory and autonomic neuropathy type 6. Also called: HSAN VI; Neuropathy, hereditary sensory and autonomic, type VI. Identifiers: Orphanet 314381, MedGen C3539003, MONDO:0013839, OMIM 614653.
Epidermolysis bullosa simplex 3, localized or generalized intermediate, with BP230 deficiency (EBS3). Also called: Epidermolysis bullosa simplex due to BP230 deficiency; Epidermolysis bullosa simplex, autosomal recessive 2. Identifiers: Orphanet 412181, MedGen C3809470, MONDO:0014180, OMIM 615425.

Allele frequency attached by ClinVar (database versions not stated): ExAC 0.00002; gnomAD exomes 0.00002; gnomAD 0.00003 and 0.00004; TOPMed 0.00006.
gnomAD v4.1: 29 of 1,582,098 alleles (0.0018%); highest among the groups gnomAD compares: Admixed American, 0.012%; no homozygotes.

Submission:

Labcorp Genetics (formerly Invitae), Labcorp
Classification: Uncertain significance for Epidermolysis bullosa simplex 3, localized or generalized intermediate, with BP230 deficiency; Hereditary sensory and autonomic neuropathy type 6. Last evaluated: 2022-05-01. Review status: criteria provided, single submitter. Criteria: Invitae Variant Classification Sherloc (09022015). Collection method: clinical testing. Allele origin: germline.
Comment: The DST gene has multiple clinically relevant transcripts. This variant occurs in alternate transcript NM_015548.4, and corresponds to NM_001723.5:c.*151948C>T in the primary transcript. This sequence change replaces proline, which is neutral and non-polar, with leucine, which is neutral and non-polar, at codon 5005 of the DST protein (p.Pro5005Leu). This variant is present in population databases (rs760819112, gnomAD 0.01%). This variant has not been reported in the literature in individuals affected with DST-related conditions. ClinVar contains an entry for this variant (Variation ID: 1061902). Experimental studies and prediction algorithms are not available or were not evaluated, and the functional significance of this variant is currently unknown. In summary, the available evidence is currently insufficient to determine the role of this variant in disease. Therefore, it has been classified as a Variant of Uncertain Significance.